The following is an entry in ClinVar:

ClinVar aggregate classification (germline): Likely benign. Review status: criteria provided, multiple submitters, no conflicts (2 of 4 stars). 3 submissions from 3 submitters: Likely benign (3). Last evaluated 2024-11-01.

Allele frequency attached by ClinVar (database versions not stated): gnomAD 0.00004; 1000 Genomes Project 30x 0.00016; 1000 Genomes Project 0.00020.
gnomAD v4.1: 33 of 1,612,780 alleles (0.002%); highest among the groups gnomAD compares: South Asian, 0.026%; no homozygotes.

Submissions (3):

CeGaT Center for Human Genetics Tuebingen
Classification: Likely benign. Last evaluated: 2024-11-01. Review status: criteria provided, single submitter. Criteria: CeGaT Center For Human Genetics Tuebingen Variant Classification Criteria Version 2. Collection method: clinical testing. Allele origin: germline. Affected: yes. Observed: 1 variant allele.
Comment: FAR1: BP4, BP7

Labcorp Genetics (formerly Invitae), Labcorp
Classification: Likely benign. Last evaluated: 2024-10-15. Review status: criteria provided, single submitter. Criteria: Invitae Variant Classification Sherloc (09022015). Collection method: clinical testing. Allele origin: germline.

Blueprint Genetics
Classification: Likely benign. Last evaluated: 2019-09-29. Review status: criteria provided, single submitter. Criteria: ACMG Guidelines, 2015. Collection method: clinical testing. Allele origin: germline.

NM_032228.6(FAR1):c.861G>A (p.Ala287=)

Gene: FAR1 (fatty acyl-CoA reductase 1; plus strand). Cytogenetic location: 11p15.3.
Variant type: single nucleotide variant.
Coding change: c.861G>A on transcript NM_032228.6 (MANE Select); coding-DNA position 861, G replaced by A.
Protein change: p.Ala287=; no amino-acid change (alanine 287 retained).
Molecular consequence: synonymous variant.
Genome position (GRCh38, 1-based): chr11:13,712,020, G>A. VCF-style: chr11-13712020-G-A. GRCh37 (hg19) VCF-style: chr11-13733567-G-A.
Identifiers: ClinVar variation 2178897 (VCV002178897.19), dbSNP rs532621340, ClinGen allele CA5893402.